The following is an entry in ClinVar:

ClinVar aggregate classification (germline): Pathogenic (1 of 4 stars; one submission).

Conditions:
Deficiency of steroid 17-alpha-monooxygenase. Also called: 17-ALPHA-HYDROXYLASE DEFICIENCY; ADRENAL HYPERPLASIA V; Congenital adrenal hyperplasia due to 17-alpha-hydroxylase deficiency; Congenital adrenal hyperplasia type 5; 17-alpha-hydroxylase/17,20-lyase deficiency. Identifiers: Orphanet 90793, MedGen C0268285, MONDO:0008730, OMIM 202110.

Submission:

Natera, Inc.
Classification: Pathogenic for Deficiency of steroid 17-alpha-monooxygenase. Last evaluated: 2025-02-10. Review status: criteria provided, single submitter. Criteria: Natera Variant Classification Schema (03/2026). Collection method: clinical testing. Allele origin: germline.
Comment: The c.863C>A variant in CYP17A1 is a nonsense variant predicted to introduce a stop codon at amino acid 288. This variant is expected to result in nonsense mediated decay, truncation, or a dysfunctional protein product. This variant is rare in the general population with a frequency below the threshold expected for the associated phenotype(s). This variant has been observed in one or more individuals affected with the associated recessive disease, as either homozygous or compound heterozygous with a second variant (PMID: 20841309). Given the available evidence, this variant is classified as Pathogenic.

Literature cited by the submitters: PubMed 20841309.

NM_000102.4(CYP17A1):c.863C>A (p.Ser288Ter)

Genes: CYP17A1 (cytochrome P450 family 17 subfamily A member 1; minus strand), CYP17A1-AS1 (CYP17A1 antisense RNA 1; plus strand). Cytogenetic location: 10q24.32.
Variant type: single nucleotide variant.
Coding change: c.863C>A on transcript NM_000102.4 (MANE Select); coding-DNA position 863, C replaced by A.
Protein change: p.Ser288Ter; replaces serine 288 with a stop codon.
Molecular consequence: nonsense.
Genome position (GRCh38, 1-based): chr10:102,833,099, G>T on the plus strand (C>A on the coding strand, the complement: CYP17A1 is on the minus strand). VCF-style: chr10-102833099-G-T. GRCh37 (hg19) VCF-style: chr10-104592856-G-T.
Other names: short protein forms S288*.
Identifiers: ClinVar variation 4065686 (VCV004065686.2).